The following is an entry in ClinVar:

ClinVar aggregate classification (germline): Uncertain significance (1 of 4 stars; one submission).

gnomAD v4.1: 2 of 1,614,090 alleles (0.00012%); highest among the groups gnomAD compares: Non-Finnish European, 0.00017%; no homozygotes.

Submission:

Laboratory for Molecular Medicine, Mass General Brigham Personalized Medicine
Classification: Uncertain significance. Last evaluated: 2014-03-21. Review status: criteria provided, single submitter. Criteria: LMM Criteria. Collection method: clinical testing. Allele origin: germline. Observed: 1 variant allele.
Comment: The Ala1892Thr variant in CDH23 has not been reported in individuals with hearin g loss or in large population studies. Computational prediction tools and conser vation analysis suggest that the Ala1892Thr variant may impact the protein, thou gh this information is not predictive enough to determine pathogenicity. Additio nal information is needed to fully assess its clinical significance.

NM_022124.6(CDH23):c.5674G>A (p.Ala1892Thr)

Gene: CDH23 (cadherin related 23; plus strand). Cytogenetic location: 10q22.1.
Variant type: single nucleotide variant.
Coding change: c.5674G>A on transcript NM_022124.6 (MANE Select); coding-DNA position 5674, G replaced by A.
Protein change: p.Ala1892Thr; replaces alanine 1892 with threonine.
Molecular consequence: missense variant.
Genome position (GRCh38, 1-based): chr10:71,785,062, G>A. VCF-style: chr10-71785062-G-A. GRCh37 (hg19) VCF-style: chr10-73544819-G-A.
Other names: short protein forms A1892T.
Identifiers: ClinVar variation 179687 (VCV000179687.4), dbSNP rs727505054, ClinGen allele CA184937.